The following is an entry in ClinVar:

ClinVar aggregate classification (germline): Uncertain significance. Review status: criteria provided, multiple submitters, no conflicts (2 of 4 stars). 2 submissions from 2 submitters: Uncertain significance (2). Last evaluated 2025-05-26.

Conditions:
Inborn genetic diseases. Identifiers: MedGen C0950123, MeSH D030342.

Allele frequency attached by ClinVar (database versions not stated): gnomAD 0.00001; gnomAD exomes 0.00002.
gnomAD v4.1: 39 of 1,613,828 alleles (0.0024%); highest among the groups gnomAD compares: Non-Finnish European, 0.003%; no homozygotes.

Submissions (2):

Ambry Genetics
Classification: Uncertain significance for Inborn genetic diseases. Last evaluated: 2025-05-26. Review status: criteria provided, single submitter. Criteria: Ambry Variant Classification Scheme 2023. Collection method: clinical testing. Allele origin: germline.

Labcorp Genetics (formerly Invitae), Labcorp
Classification: Uncertain significance. Last evaluated: 2025-01-13. Review status: criteria provided, single submitter. Criteria: Invitae Variant Classification Sherloc (09022015). Collection method: clinical testing. Allele origin: germline.
Comment: This sequence change replaces asparagine, which is neutral and polar, with serine, which is neutral and polar, at codon 2890 of the SRCAP protein (p.Asn2890Ser). This variant is present in population databases (no rsID available, gnomAD 0.003%). This variant has not been reported in the literature in individuals affected with SRCAP-related conditions. ClinVar contains an entry for this variant (Variation ID: 1952099). Invitae Evidence Modeling of protein sequence and biophysical properties (such as structural, functional, and spatial information, amino acid conservation, physicochemical variation, residue mobility, and thermodynamic stability) indicates that this missense variant is not expected to disrupt SRCAP protein function with a negative predictive value of 80%. In summary, the available evidence is currently insufficient to determine the role of this variant in disease. Therefore, it has been classified as a Variant of Uncertain Significance.

NM_006662.3(SRCAP):c.8669A>G (p.Asn2890Ser)

Gene: SRCAP (Snf2 related CREBBP activator protein; plus strand). Cytogenetic location: 16p11.2.
Variant type: single nucleotide variant.
Coding change: c.8669A>G on transcript NM_006662.3 (MANE Select); coding-DNA position 8669, A replaced by G.
Protein change: p.Asn2890Ser; replaces asparagine 2890 with serine.
Molecular consequence: missense variant.
Genome position (GRCh38, 1-based): chr16:30,738,709, A>G. VCF-style: chr16-30738709-A-G. GRCh37 (hg19) VCF-style: chr16-30750030-A-G.
Other names: c.8669A>G (NM_006662.2); short protein forms N2890S.
Identifiers: ClinVar variation 1952099 (VCV001952099.6), dbSNP rs974449703, ClinGen allele CA280524892.
Genomic context (GRCh38, chr16:30,738,709, plus strand): 5'-CAGCAGATGCTGGGAGAGGTGTGGATGAGGCACCCTCATCCACCTTGAAGGGAAAAACCA[A>G]TGGGGCTGACCCAGTCCCTGGGCCTGAGACCCTAATTGTTGCAGATCCTGTCCTGGAACC-3'
Protein context (NP_006653.2, residues 2880-2900): APSSTLKGKT[Asn2890Ser]GADPVPGPET